The following is an entry in ClinVar:

ClinVar aggregate classification (germline): Uncertain significance (1 of 4 stars; one submission).

Conditions:
Dyskeratosis congenita, autosomal dominant 1 (DKCA1). Also called: Dyskeratosis congenita Scoggins type. Identifiers: Orphanet 1775, MedGen C4551974, MONDO:0007485, OMIM 127550. Inheritance: Variable.

Submission:

Labcorp Genetics (formerly Invitae), Labcorp
Classification: Uncertain significance for Dyskeratosis congenita, autosomal dominant 1. Last evaluated: 2021-10-19. Review status: criteria provided, single submitter. Criteria: Invitae Variant Classification Sherloc (09022015). Collection method: clinical testing. Allele origin: germline.
Comment: This variant occurs in the TERC gene, which encodes an RNA molecule that does not result in a protein product. This variant is not present in population databases (ExAC no frequency). This variant has not been reported in the literature in individuals affected with TERC-related conditions. In summary, the available evidence is currently insufficient to determine the role of this variant in disease. Therefore, it has been classified as a Variant of Uncertain Significance. This variant is located within the conserved regions 4 and 5 (CR4-CR5) domain of the TERC RNA component, which is required for telomerase activity (PMID: 15082312, 21844345).

Literature cited by the submitters: PubMed 15082312; PubMed 21844345.

NC_000003.12:g.169764765G>T

Genes: TERC (telomerase RNA component; minus strand), LOC110806306 (telomerase RNA component (TERC) promoter; plus strand). Cytogenetic location: 3q26.2.
Variant type: single nucleotide variant.
Genome position: GRCh38 VCF-style: chr3-169764765-G-T. GRCh37 (hg19) VCF-style: chr3-169482553-G-T.
Identifiers: ClinVar variation 1443750 (VCV001443750.6), dbSNP rs2108182940, ClinGen allele CA436715126.